The following is an entry in ClinVar:

ClinVar aggregate classification (germline): Uncertain significance (1 of 4 stars; one submission).

Conditions:
Progressive myoclonic epilepsy type 9. Identifiers: Orphanet 457265, MedGen C4225289, MONDO:0014685, OMIM 616540.
Lipodystrophy, partial, acquired, susceptibility to (APLD). Also called: APLD, SUSCEPTIBILITY TO. Identifiers: MedGen C3887501, MONDO:0100476, OMIM 608709.

gnomAD v4.1: 1 of 1,600,498 alleles (0.000062%); highest among the groups gnomAD compares: Admixed American, 0.0017%; no homozygotes.

Submission:

Labcorp Genetics (formerly Invitae), Labcorp
Classification: Uncertain significance for Progressive myoclonic epilepsy type 9; Lipodystrophy, partial, acquired, susceptibility to. Last evaluated: 2025-12-17. Review status: criteria provided, single submitter. Criteria: Invitae Variant Classification Sherloc (09022015). Collection method: clinical testing. Allele origin: germline.
Comment: This sequence change falls in intron 4 of the LMNB2 gene. It does not directly change the encoded amino acid sequence of the LMNB2 protein. The frequency data for this variant in the population databases is considered unreliable, as metrics indicate poor data quality at this position in the gnomAD database. This variant has not been reported in the literature in individuals affected with LMNB2-related conditions. Algorithms developed to predict the effect of sequence changes on RNA splicing suggest that this variant may disrupt the consensus splice site. In summary, the available evidence is currently insufficient to determine the role of this variant in disease. Therefore, it has been classified as a Variant of Uncertain Significance.

NM_032737.4(LMNB2):c.685-6C>A

Gene: LMNB2 (lamin B2; minus strand). Cytogenetic location: 19p13.3.
Variant type: single nucleotide variant.
Coding change: c.685-6C>A on transcript NM_032737.4 (MANE Select); 6 bases into the intron before coding-DNA position 685, C replaced by A.
Molecular consequence: intron variant.
Genome position (GRCh38, 1-based): chr19:2,435,177, G>T on the plus strand (C>A on the coding strand, the complement: LMNB2 is on the minus strand). VCF-style: chr19-2435177-G-T. GRCh37 (hg19) VCF-style: chr19-2435175-G-T.
Identifiers: ClinVar variation 4793654 (VCV004793654.1).